The following is an entry in ClinVar:

NM_001384140.1(PCDH15):c.1537T>C (p.Ser513Pro)

Gene: PCDH15 (protocadherin related 15; minus strand). Cytogenetic location: 10q21.1.
Variant type: single nucleotide variant.
Coding change: c.1537T>C on transcript NM_001384140.1 (MANE Select); coding-DNA position 1537, T replaced by C.
Protein change: p.Ser513Pro; replaces serine 513 with proline.
Molecular consequence: missense variant.
Genome position (GRCh38, 1-based): chr10:54,183,497, A>G on the plus strand (T>C on the coding strand, the complement: PCDH15 is on the minus strand). VCF-style: chr10-54183497-A-G. GRCh37 (hg19) VCF-style: chr10-55943257-A-G.
Other names: c.1552T>C, p.Ser518Pro (NM_001142763.2, NM_001142771.2); c.1537T>C, p.Ser513Pro (NM_001142764.2, NM_001142765.2, NM_001142766.2 and 6 more transcripts); c.1426T>C, p.Ser476Pro (NM_001142767.2); c.1471T>C, p.Ser491Pro (NM_001142768.2, NM_001142773.2, NM_001354404.2); c.1573T>C, p.Ser525Pro (NM_001142769.4); c.1558T>C, p.Ser520Pro (NM_001354411.2); short protein forms S513P, S491P, S520P, S518P, S476P, S525P.
Identifiers: ClinVar variation 229133 (VCV000229133.5), dbSNP rs876657951, ClinGen allele CA10576795.
Genomic context (GRCh38, chr10:54,183,497, plus strand): 5'-TAGTTACCTGTATGACACTGTCCCCAGGTCTCATGTCTGTATAAACATACACATCATAGG[A>G]TATTTCAGGGAAGGTTGGCGTGTTATCATTTGCATCCATCACTTGAATATTGACGATGAC-3'
Protein context (NP_001371069.1, residues 503-523): NDNTPTFPEI[Ser513Pro]YDVYVYTDMR

ClinVar aggregate classification (germline): Uncertain significance (1 of 4 stars; one submission).

Submission:

Laboratory for Molecular Medicine, Mass General Brigham Personalized Medicine
Classification: Uncertain significance. Last evaluated: 2015-02-20. Review status: criteria provided, single submitter. Criteria: LMM Criteria. Collection method: clinical testing. Allele origin: germline. Observed: 1 variant allele.
Comment: The p.Ser513Pro variant in PCDH15 has not been previously reported in individual s with hearing loss and was absent from large population studies. Computational prediction tools and conservation analysis do not provide strong support for or against an impact to the protein. In summary, the clinical significance of the p .Ser513Pro variant is uncertain.